The following is an entry in ClinVar:

ClinVar aggregate classification (germline): Uncertain significance (1 of 4 stars; one submission).

Allele frequency attached by ClinVar (database versions not stated): gnomAD exomes 0.00003; ExAC 0.00006.
gnomAD v4.1: 26 of 1,614,076 alleles (0.0016%); highest among the groups gnomAD compares: Non-Finnish European, 0.0021%; no homozygotes.

Submission:

Labcorp Genetics (formerly Invitae), Labcorp
Classification: Uncertain significance. Last evaluated: 2024-05-07. Review status: criteria provided, single submitter. Criteria: Invitae Variant Classification Sherloc (09022015). Collection method: clinical testing. Allele origin: germline.
Comment: This sequence change replaces glutamic acid, which is acidic and polar, with glutamine, which is neutral and polar, at codon 288 of the NEUROD1 protein (p.Glu288Gln). This variant is present in population databases (rs747715154, gnomAD 0.007%). This variant has not been reported in the literature in individuals affected with NEUROD1-related conditions. ClinVar contains an entry for this variant (Variation ID: 850985). Advanced modeling of protein sequence and biophysical properties (such as structural, functional, and spatial information, amino acid conservation, physicochemical variation, residue mobility, and thermodynamic stability) performed at Invitae indicates that this missense variant is not expected to disrupt NEUROD1 protein function with a negative predictive value of 80%. In summary, the available evidence is currently insufficient to determine the role of this variant in disease. Therefore, it has been classified as a Variant of Uncertain Significance.

NM_002500.5(NEUROD1):c.862G>C (p.Glu288Gln)

Gene: NEUROD1 (neuronal differentiation 1; minus strand). Cytogenetic location: 2q31.3.
Variant type: single nucleotide variant.
Coding change: c.862G>C on transcript NM_002500.5 (MANE Select); coding-DNA position 862, G replaced by C.
Protein change: p.Glu288Gln; replaces glutamic acid 288 with glutamine.
Molecular consequence: missense variant.
Genome position (GRCh38, 1-based): chr2:181,677,999, C>G on the plus strand (G>C on the coding strand, the complement: NEUROD1 is on the minus strand). VCF-style: chr2-181677999-C-G. GRCh37 (hg19) VCF-style: chr2-182542726-C-G.
Other names: short protein forms E288Q.
Identifiers: ClinVar variation 850985 (VCV000850985.10), dbSNP rs747715154, ClinGen allele CA2011049.
Genomic context (GRCh38, chr2:181,677,999, plus strand): 5'-GTGTCGCTGCAGGATAGTGCATGGTAAAGGCATAATTTTTCTCAAACTCGGCGGACGGTT[C>G]GTGTTTGAAAGAGAAGTTGCCATTGATGCTGAGCGGCGGGCTGAGGGGTCCATCAAAGGA-3'
Protein context (NP_002491.3, residues 278-298): SINGNFSFKH[Glu288Gln]PSAEFEKNYA